The following is an entry in ClinVar:

ClinVar aggregate classification (germline): Uncertain significance (1 of 4 stars; one submission).

Conditions:
Inborn genetic diseases. Identifiers: MedGen C0950123, MeSH D030342.

gnomAD v4.1: 15 of 1,613,928 alleles (0.00093%); highest among the groups gnomAD compares: Non-Finnish European, 0.0013%; no homozygotes.

Submission:

Ambry Genetics
Classification: Uncertain significance for Inborn genetic diseases. Last evaluated: 2024-12-29. Review status: criteria provided, single submitter. Criteria: Ambry Variant Classification Scheme 2023. Collection method: clinical testing. Allele origin: germline.
Comment: The p.S1208P variant (also known as c.3622T>C), located in coding exon 17 of the MECOM gene, results from a T to C substitution at nucleotide position 3622. The serine at codon 1208 is replaced by proline, an amino acid with similar properties. This amino acid position is conserved. In addition, this alteration is predicted to be tolerated by in silico analysis. Based on the available evidence, the clinical significance of this variant remains unclear.

NM_004991.4(MECOM):c.3622T>C (p.Ser1208Pro)

Gene: MECOM (MDS1 and EVI1 complex locus; minus strand). Cytogenetic location: 3q26.2.
Variant type: single nucleotide variant.
Coding change: c.3622T>C on transcript NM_004991.4 (MANE Select); coding-DNA position 3622, T replaced by C.
Protein change: p.Ser1208Pro; replaces serine 1208 with proline.
Molecular consequence: missense variant.
Genome position (GRCh38, 1-based): chr3:169,085,007, A>G on the plus strand (T>C on the coding strand, the complement: MECOM is on the minus strand). VCF-style: chr3-169085007-A-G. GRCh37 (hg19) VCF-style: chr3-168802795-A-G.
Other names: c.3253T>C, p.Ser1085Pro (NM_001105077.4); c.3058T>C, p.Ser1020Pro (NM_001105078.4, NM_001205194.2, NM_001366469.2 and 1 more transcripts); c.3034T>C, p.Ser1012Pro (NM_001163999.2, NM_001366470.2); c.3031T>C, p.Ser1011Pro (NM_001164000.2, NM_001366471.2, NM_001366472.2); c.3595T>C, p.Ser1199Pro (NM_001366466.2); c.3061T>C, p.Ser1021Pro (NM_001366467.2, NM_001366468.2); c.2623T>C, p.Ser875Pro (NM_001366473.2); c.2059T>C, p.Ser687Pro (NM_001366474.2); short protein forms S1011P, S1199P, S687P, S1012P, S1020P, S1021P, S1085P, S1208P.
Identifiers: ClinVar variation 3871648 (VCV003871648.1).